The following is an entry in ClinVar:

ClinVar aggregate classification (germline): Benign. Review status: criteria provided, multiple submitters, no conflicts (2 of 4 stars). 2 submissions from 2 submitters: Benign (2). Last evaluated 2026-01-28.

Allele frequency attached by ClinVar (database versions not stated): gnomAD exomes 0.00239 and 0.00678; ExAC 0.00875; gnomAD 0.02651 and 0.02836; TOPMed 0.02953; 1000 Genomes Project 0.03075; ESP Exome Variant Server 0.03268; 1000 Genomes Project 30x 0.03342.
gnomAD v4.1: 7,644 of 1,613,990 alleles (0.47%); highest among the groups gnomAD compares: African/African-American, 9.2%; 328 homozygotes.

Submissions (2):

Labcorp Genetics (formerly Invitae), Labcorp
Classification: Benign. Last evaluated: 2026-01-28. Review status: criteria provided, single submitter. Criteria: Invitae Variant Classification Sherloc (09022015). Collection method: clinical testing. Allele origin: germline.

GeneDx
Classification: Benign. Last evaluated: 2012-04-04. Review status: criteria provided, single submitter. Criteria: GeneDx Variant Classification (06012015). Collection method: clinical testing. Allele origin: germline. Affected: yes.
Comment: This variant is considered likely benign or benign based on one or more of the following criteria: it is a conservative change, it occurs at a poorly conserved position in the protein, it is predicted to be benign by multiple in silico algorithms, and/or has population frequency not consistent with disease.

NM_005006.7(NDUFS1):c.1133+20G>A

Gene: NDUFS1 (NADH:ubiquinone oxidoreductase core subunit S1; minus strand). Cytogenetic location: 2q33.3.
Variant type: single nucleotide variant.
Coding change: c.1133+20G>A on transcript NM_005006.7 (MANE Select); 20 bases into the intron after coding-DNA position 1133, G replaced by A.
Molecular consequence: intron variant.
Genome position (GRCh38, 1-based): chr2:206,142,666, C>T on the plus strand (G>A on the coding strand, the complement: NDUFS1 is on the minus strand). VCF-style: chr2-206142666-C-T. GRCh37 (hg19) VCF-style: chr2-207007390-C-T.
Other names: c.800+20G>A (NM_001199982.2); c.962+20G>A (NM_001199983.2); c.1025+20G>A (NM_001199981.2); c.1175+20G>A (NM_001199984.2).
Identifiers: ClinVar variation 138478 (VCV000138478.10), dbSNP rs6435328, ClinGen allele CA292488.
Genomic context (GRCh38, chr2:206,142,666, plus strand): 5'-ATCCAGGTTGTCACATTTTATACATAACTTGTAACTAAAAAAAGAAAGGAAAGCCTAGAT[C>T]CTAGCTTCATATTTCTCACCCAGCTCCTGCAGTGGGGAAGACCTCTTCAGTGCATAAGGT-3'